The following is an entry in ClinVar:

NM_000512.5(GALNS):c.1482+2T>C

Genes: GALNS (galactosamine (N-acetyl)-6-sulfatase; minus strand), LOC126862447 (CDK7 strongly-dependent group 2 enhancer GRCh37_chr16:88884193-88885392; plus strand). Cytogenetic location: 16q24.3.
Variant type: single nucleotide variant.
Coding change: c.1482+2T>C on transcript NM_000512.5 (MANE Select); the canonical splice donor site of the intron after coding-DNA position 1482, T replaced by C.
Molecular consequence: splice donor variant.
Genome position (GRCh38, 1-based): chr16:88,818,005, A>G on the plus strand (T>C on the coding strand, the complement: GALNS is on the minus strand). VCF-style: chr16-88818005-A-G. GRCh37 (hg19) VCF-style: chr16-88884413-A-G.
Other names: c.927+2T>C (NM_001323543.2); c.1500+2T>C (NM_001323544.2).
Identifiers: ClinVar variation 2694029 (VCV002694029.3), dbSNP rs2508363673, ClinGen allele CA397094027.

ClinVar aggregate classification (germline): Pathogenic (1 of 4 stars; one submission).

Conditions:
Mucopolysaccharidosis, MPS-IV-A (MPS4A). Also called: Morquio syndrome A, mild; MORQUIO SYNDROME A; GALACTOSAMINE-6-SULFATASE DEFICIENCY; GALNS DEFICIENCY; MORQUIO A DISEASE; mucopolysaccharidosis type 4A. Identifiers: Orphanet 309297, Orphanet 582, MedGen C0086651, MONDO:0009659, OMIM 253000.

Submission:

Labcorp Genetics (formerly Invitae), Labcorp
Classification: Pathogenic for Mucopolysaccharidosis, MPS-IV-A. Last evaluated: 2023-11-20. Review status: criteria provided, single submitter. Criteria: Invitae Variant Classification Sherloc (09022015). Collection method: clinical testing. Allele origin: germline.
Comment: This sequence change affects a donor splice site in intron 13 of the GALNS gene. While this variant is not anticipated to result in nonsense mediated decay, it likely alters RNA splicing and results in a disrupted protein product. This variant is not present in population databases (gnomAD no frequency). This variant has not been reported in the literature in individuals affected with GALNS-related conditions. Variants that disrupt the consensus splice site are a relatively common cause of aberrant splicing (PMID: 17576681, 9536098). Algorithms developed to predict the effect of sequence changes on RNA splicing suggest that this variant may disrupt the consensus splice site. This variant disrupts a region of the GALNS protein in which other variant(s) (p.Trp496Ser) have been determined to be pathogenic (Invitae). This suggests that this is a clinically significant region of the protein, and that variants that disrupt it are likely to be disease-causing. For these reasons, this variant has been classified as Pathogenic.

Literature cited by the submitters: PubMed 17576681; PubMed 9536098.